The following is an entry in ClinVar:

NC_000014.9:g.58304914_58332643dup

Genes: ARID4A (AT-rich interaction domain 4A; plus strand), LOC130055731 (ATAC-STARR-seq lymphoblastoid active region 8452; plus strand). Cytogenetic location: 14q23.1.
Variant type: Duplication.
Identifiers: ClinVar variation 157309 (VCV000157309.2).

ClinVar aggregate classification (germline): not provided (0 of 4 stars; one submission).

Conditions:
Normal pregnancy. Identifiers: MedGen C0232989.

Submission:

Institute of Molecular and Cell Biology, University of Tartu
No classification provided. Condition: Normal pregnancy. Review status: no classification provided. Collection method: case-control. Allele origin: unknown. Affected: yes. Study: Kasak2014.
Comment: The study aimed to determine the contribution of copy number variants in the genetic etiology of normal and complicated pregnancies. The samples represented (i) maternal blood DNA drawn from healthy pregnant women during 1st or 2nd trimester and (ii) maternal and paternal blood DNA drawn at term pregnancy cases representing normal and complicated gestations (severe preeclampsia, PE; gestational diabetes, GD; small-for-gestational age newborn, SGA; large-for-gestational age newborn, LGA). We performed CNV calling based on genome-wide genotyping dataset (Illumina HumanOmniExpress-24-v1 BeadChip) by applying three algorithms, QuantiSNP, GADA (Genome Alteration Detection Algorithm) and CNstream in parallel. The acquired CNV calls were merged with HD-CNV (Hotspot Detector for Copy Number Variants) program and only the CNVs predicted by at least two programs, were considered in subsequent analysis.

Literature cited by the submitters: PubMed 25666259.